The following is an entry in ClinVar:

ClinVar aggregate classification (germline): Uncertain significance (1 of 4 stars; one submission).

Conditions:
Developmental and epileptic encephalopathy, 53. Also called: Epileptic encephalopathy, early infantile, 53. Identifiers: MedGen C4479313, MONDO:0033362, OMIM 617389.
Early-onset Parkinson disease 20. Also called: PARKINSON DISEASE 20, AUTOSOMAL RECESSIVE EARLY-ONSET. Identifiers: Orphanet 391411, MedGen C3809824, MONDO:0014233, OMIM 615530.

Allele frequency attached by ClinVar (database versions not stated): gnomAD exomes below 0.00001 and 0.00001; TOPMed below 0.00001; gnomAD 0.00001.
gnomAD v4.1: 2 of 1,600,820 alleles (0.00012%); highest among the groups gnomAD compares: African/African-American, 0.0014%; no homozygotes.

Submission:

Labcorp Genetics (formerly Invitae), Labcorp
Classification: Uncertain significance for Developmental and epileptic encephalopathy, 53; Early-onset Parkinson disease 20. Last evaluated: 2020-11-11. Review status: criteria provided, single submitter. Criteria: Invitae Variant Classification Sherloc (09022015). Collection method: clinical testing. Allele origin: germline.
Comment: In summary, the available evidence is currently insufficient to determine the role of this variant in disease. Therefore, it has been classified as a Variant of Uncertain Significance. Algorithms developed to predict the effect of sequence changes on RNA splicing suggest that this variant may create or strengthen a splice site, but this prediction has not been confirmed by published transcriptional studies. Algorithms developed to predict the effect of missense changes on protein structure and function are either unavailable or do not agree on the potential impact of this missense change (SIFT: "Deleterious"; PolyPhen-2: "Possibly Damaging"; Align-GVGD: "Class C0"). This variant has not been reported in the literature in individuals with SYNJ1-related conditions. This variant is not present in population databases (ExAC no frequency). This sequence change replaces aspartic acid with glycine at codon 857 of the SYNJ1 protein (p.Asp857Gly). The aspartic acid residue is moderately conserved and there is a moderate physicochemical difference between aspartic acid and glycine.

NM_203446.3(SYNJ1):c.2453A>G (p.Asp818Gly)

Gene: SYNJ1 (synaptojanin 1; minus strand). Cytogenetic location: 21q22.11.
Variant type: single nucleotide variant.
Coding change: c.2453A>G on transcript NM_203446.3 (MANE Select); coding-DNA position 2453, A replaced by G.
Protein change: p.Asp818Gly; replaces aspartic acid 818 with glycine.
Molecular consequence: missense variant.
Genome position (GRCh38, 1-based): chr21:32,657,724, T>C on the plus strand (A>G on the coding strand, the complement: SYNJ1 is on the minus strand). VCF-style: chr21-32657724-T-C. GRCh37 (hg19) VCF-style: chr21-34030034-T-C.
Other names: c.2453A>G, p.Asp818Gly (NM_001160302.2); c.2438A>G, p.Asp813Gly (NM_001160306.2); c.2570A>G, p.Asp857Gly (NM_003895.4); short protein forms D818G, D857G, D813G.
Identifiers: ClinVar variation 1465489 (VCV001465489.7), dbSNP rs1204628755, ClinGen allele CA410075038.